The following is an entry in ClinVar:

NM_015557.3(CHD5):c.3308G>A (p.Gly1103Asp)

Gene: CHD5 (chromodomain helicase DNA binding protein 5; minus strand). Cytogenetic location: 1p36.31.
Variant type: single nucleotide variant.
Coding change: c.3308G>A on transcript NM_015557.3 (MANE Select); coding-DNA position 3308, G replaced by A.
Protein change: p.Gly1103Asp; replaces glycine 1103 with aspartic acid.
Molecular consequence: missense variant.
Genome position (GRCh38, 1-based): chr1:6,130,283, C>T on the plus strand (G>A on the coding strand, the complement: CHD5 is on the minus strand). VCF-style: chr1-6130283-C-T. GRCh37 (hg19) VCF-style: chr1-6190343-C-T.
Other names: short protein forms G1103D.
Identifiers: ClinVar variation 3893460 (VCV003893460.1).

ClinVar aggregate classification (germline): Uncertain significance (1 of 4 stars; one submission).

Submission:

GeneDx
Classification: Uncertain significance. Last evaluated: 2024-10-23. Review status: criteria provided, single submitter. Criteria: GeneDx Variant Classification Process June 2021. Collection method: clinical testing. Allele origin: germline. Affected: yes.
Comment: Not observed at significant frequency in large population cohorts (gnomAD); In silico analysis supports that this missense variant has a deleterious effect on protein structure/function; Has not been previously published as pathogenic or benign to our knowledge